The following is an entry in ClinVar:

NM_001382567.1(STIM1):c.1377C>G (p.Ser459Arg)

Gene: STIM1 (stromal interaction molecule 1; plus strand). Cytogenetic location: 11p15.4.
Variant type: single nucleotide variant.
Coding change: c.1377C>G on transcript NM_001382567.1 (MANE Select); coding-DNA position 1377, C replaced by G.
Protein change: p.Ser459Arg; replaces serine 459 with arginine.
Molecular consequence: missense variant. On other transcripts: non-coding transcript variant (2).
Genome position (GRCh38, 1-based): chr11:4,083,401, C>G. VCF-style: chr11-4083401-C-G. GRCh37 (hg19) VCF-style: chr11-4104631-C-G.
Other names: c.1377C>G, p.Ser459Arg (NM_001277961.3, NM_001277962.2, NM_003156.4); c.1155C>G, p.Ser385Arg (NM_001382566.1, NM_001382573.1, NM_001382575.1 and 4 more transcripts); c.1398C>G, p.Ser466Arg (NM_001382568.1); c.1242C>G, p.Ser414Arg (NM_001382569.1); c.1149C>G, p.Ser383Arg (NM_001382570.1); c.897C>G, p.Ser299Arg (NM_001382571.1); c.888C>G, p.Ser296Arg (NM_001382580.1, NM_001382581.1); short protein forms S459R, S296R, S299R, S383R, S385R, S414R, S466R.
Identifiers: ClinVar variation 568947 (VCV000568947.8), dbSNP rs1565171050, ClinGen allele CA379194331.

ClinVar aggregate classification (germline): Uncertain significance (1 of 4 stars; one submission).

Conditions:
Stormorken syndrome (STRMK). Also called: THROMBOCYTOPATHY, ASPLENIA, AND MIOSIS. Identifiers: Orphanet 3204, MedGen C1861451, MONDO:0008497, OMIM 185070.
Combined immunodeficiency due to STIM1 deficiency. Also called: IMMUNODEFICIENCY 10; STIM1 DEFICIENCY. Identifiers: Orphanet 169090, Orphanet 317430, MedGen C2748557, MONDO:0013008, OMIM 612783.
Myopathy with tubular aggregates (TAM). Also called: Tubular Aggregate Myopathy. Identifiers: Orphanet 2593, MedGen C0410207, MONDO:0008051.

Submission:

Labcorp Genetics (formerly Invitae), Labcorp
Classification: Uncertain significance for Myopathy with tubular aggregates; Combined immunodeficiency due to STIM1 deficiency; Stormorken syndrome. Last evaluated: 2025-09-15. Review status: criteria provided, single submitter. Criteria: Invitae Variant Classification Sherloc (09022015). Collection method: clinical testing. Allele origin: germline.
Comment: This sequence change replaces serine, which is neutral and polar, with arginine, which is basic and polar, at codon 459 of the STIM1 protein (p.Ser459Arg). This variant is not present in population databases (gnomAD no frequency). This variant has not been reported in the literature in individuals affected with STIM1-related conditions. ClinVar contains an entry for this variant (Variation ID: 568947). Invitae Evidence Modeling of protein sequence and biophysical properties (such as structural, functional, and spatial information, amino acid conservation, physicochemical variation, residue mobility, and thermodynamic stability) has been performed for this missense variant. However, the output from this modeling did not meet the statistical confidence thresholds required to predict the impact of this variant on STIM1 protein function. In summary, the available evidence is currently insufficient to determine the role of this variant in disease. Therefore, it has been classified as a Variant of Uncertain Significance.